The following is an entry in ClinVar:

NM_001042492.3(NF1):c.1010A>C (p.Glu337Ala)

Gene: NF1 (neurofibromin 1; plus strand). Cytogenetic location: 17q11.2.
Variant type: single nucleotide variant.
Coding change: c.1010A>C on transcript NM_001042492.3 (MANE Select); coding-DNA position 1010, A replaced by C.
Protein change: p.Glu337Ala; replaces glutamic acid 337 with alanine.
Molecular consequence: missense variant.
Genome position (GRCh38, 1-based): chr17:31,200,543, A>C. VCF-style: chr17-31200543-A-C. GRCh37 (hg19) VCF-style: chr17-29527561-A-C.
Other names: c.1010A>C, p.Glu337Ala (NM_000267.4, NM_001128147.3); short protein forms E337A.
Identifiers: ClinVar variation 5025558 (VCV005025558.1).

ClinVar aggregate classification (germline): Uncertain significance (1 of 4 stars; one submission).

Conditions:
Cardiovascular phenotype. Identifiers: MedGen CN230736.
Hereditary cancer-predisposing syndrome. Also called: Neoplastic Syndromes, Hereditary; Tumor predisposition; Hereditary neoplastic syndrome; Hereditary Cancer Syndrome. Identifiers: Orphanet 140162, MedGen C0027672, MeSH D009386, MONDO:0015356.

Submission:

Ambry Genetics
Classification: Uncertain significance for Cardiovascular phenotype; Hereditary cancer-predisposing syndrome. Last evaluated: 2026-07-29. Review status: criteria provided, single submitter. Criteria: Ambry Variant Classification Scheme 2023. Collection method: clinical testing. Allele origin: germline.
Comment: The p.E337A variant (also known as c.1010A>C), located in coding exon 9 of the NF1 gene, results from an A to C substitution at nucleotide position 1010. The glutamic acid at codon 337 is replaced by alanine, an amino acid with dissimilar properties. This amino acid position is highly conserved in available vertebrate species. In silico splice site analysis predicts that this alteration will not have any significant effect on splicing; however, direct evidence is insufficient at this time (Ambry internal data). In addition, this alteration is predicted to be deleterious by in silico analysis. Based on the available evidence, the clinical significance of this variant remains unclear.